The following is an entry in ClinVar:

ClinVar aggregate classification (germline): Benign/Likely benign. Review status: criteria provided, multiple submitters, no conflicts (2 of 4 stars). 5 submissions from 5 submitters: Benign (1); Likely benign (3). 1 of the submissions does not count toward it. Last evaluated 2026-09-01.

Conditions:
Complex neurodevelopmental disorder. Identifiers: Orphanet 528084, MedGen C5568766, MONDO:0100038.
SHANK2-related disorder.

Submissions (5):

CeGaT Center for Human Genetics Tuebingen
Classification: Likely benign. Last evaluated: 2026-09-01. Review status: criteria provided, single submitter. Criteria: CeGaT Center For Human Genetics Tuebingen Variant Classification Criteria Version 2. Collection method: clinical testing. Allele origin: germline. Affected: yes. Observed: 9 variant alleles.
Comment: SHANK2: PM4, BS1, BS2

Blueprint Genetics
Classification: Likely benign. Last evaluated: 2024-11-22. Review status: criteria provided, single submitter. Criteria: ACMG Guidelines, 2015. Collection method: clinical testing. Allele origin: germline.

Department of Pathology and Laboratory Medicine, Sinai Health System
Classification: Likely benign for complex neurodevelopmental disorder. Last evaluated: 2022-07-26. Review status: criteria provided, single submitter. Criteria: ACMG Guidelines, 2015. Collection method: research. Allele origin: germline.

Genetic Services Laboratory, University of Chicago
Classification: Benign. Last evaluated: 2016-06-02. Review status: criteria provided, single submitter. Criteria: ACMG Guidelines, 2015. Collection method: clinical testing. Allele origin: germline. Affected: no.

PreventionGenetics, part of Exact Sciences
Classification: Likely benign for SHANK2-related condition. Last evaluated: 2022-05-17. Review status: no assertion criteria provided. Collection method: clinical testing. Allele origin: germline. Not counted in ClinVar's aggregate classification.
Comment: This variant is classified as likely benign based on ACMG/AMP sequence variant interpretation guidelines (Richards et al. 2015 PMID: 25741868, with internal and published modifications).

NM_012309.5(SHANK2):c.4161_4166dup (p.Leu1387_Pro1388dup)

Gene: SHANK2 (SH3 and multiple ankyrin repeat domains 2; minus strand). Cytogenetic location: 11q13.3.
Variant type: Duplication.
Coding change: c.4161_4166dup on transcript NM_012309.5 (MANE Select); coding-DNA positions 4161 to 4166, 6 bases duplicated (GCCATT; older notation c.4161_4166dupGCCATT).
Protein change: p.Leu1387_Pro1388dup.
Molecular consequence: inframe insertion.
Genome position (GRCh38, 1-based): chr11:70,486,127-70,486,132, AATGGC duplicated on the plus strand (GCCATT on the coding strand, the reverse complement: SHANK2 is on the minus strand); duplicating any 6 consecutive bases within chr11:70,486,127-70,486,134 gives the same sequence; the c. name uses the placement nearest the transcript's 3' end. VCF-style (leftmost placement, unchanged base first): chr11-70486126-G-GAATGGC. GRCh37 (hg19) VCF-style: chr11-70332231-G-GAATGGC.
Other names: c.3024_3029dup, p.Leu1008_Pro1009dup (NM_001379226.1); c.2397_2402dup, p.Leu799_Pro800dup (NM_133266.5); c.4161_4166dup6 (NM_012309.4).
Identifiers: ClinVar variation 436715 (VCV000436715.33), dbSNP rs756656381, ClinGen allele CA6160966.